The following is an entry in ClinVar:

ClinVar aggregate classification (germline): Uncertain significance. Review status: criteria provided, multiple submitters, no conflicts (2 of 4 stars). 2 submissions from 2 submitters: Uncertain significance (2). Last evaluated 2023-08-15.

Conditions:
Juvenile polyposis syndrome (JPS). Identifiers: Orphanet 2929, MedGen C0345893, MONDO:0017380, OMIM 174900.

Allele frequency attached by ClinVar (database versions not stated): gnomAD exomes below 0.00001.

Submissions (2):

All of Us Research Program, National Institutes of Health
Classification: Uncertain significance for Juvenile polyposis syndrome. Last evaluated: 2023-08-15. Review status: criteria provided, single submitter. Criteria: ACMG Guidelines, 2015. Collection method: clinical testing. Allele origin: germline. Inheritance: Autosomal dominant inheritance. Observed: 1 variant allele, 1 heterozygote.
Comment: This missense variant replaces leucine with phenylalanine at codon 383 of the BMPR1A protein. Computational prediction suggests that this variant may have deleterious impact on protein structure and function (internally defined REVEL score threshold >= 0.7, PMID: 27666373). To our knowledge, functional studies have not been reported for this variant. This variant has not been reported in individuals affected with BMPR1A-related disorders in the literature. This variant has not been identified in the general population by the Genome Aggregation Database (gnomAD). The available evidence is insufficient to determine the role of this variant in disease conclusively. Therefore, this variant is classified as a Variant of Uncertain Significance.

This study involves interpretation of variants in research participants for the purpose of population health screening. Participant phenotype was not available at the time of variant classification. Additional details can be found in publication PMID: 35346344, PMCID: PMC8962531

Labcorp Genetics (formerly Invitae), Labcorp
Classification: Uncertain significance for Juvenile polyposis syndrome. Last evaluated: 2021-02-01. Review status: criteria provided, single submitter. Criteria: Invitae Variant Classification Sherloc (09022015). Collection method: clinical testing. Allele origin: germline.
Comment: This variant is not present in population databases (ExAC no frequency). This variant has not been reported in the literature in individuals with BMPR1A-related conditions. This sequence change replaces leucine with phenylalanine at codon 383 of the BMPR1A protein (p.Leu383Phe). The leucine residue is highly conserved and there is a small physicochemical difference between leucine and phenylalanine. In summary, the available evidence is currently insufficient to determine the role of this variant in disease. Therefore, it has been classified as a Variant of Uncertain Significance. Algorithms developed to predict the effect of missense changes on protein structure and function are either unavailable or do not agree on the potential impact of this missense change (SIFT: "Deleterious"; PolyPhen-2: "Probably Damaging"; Align-GVGD: "Class C15").

NM_004329.3(BMPR1A):c.1147C>T (p.Leu383Phe)

Gene: BMPR1A (bone morphogenetic protein receptor type 1A; plus strand). Cytogenetic location: 10q23.2.
Variant type: single nucleotide variant.
Coding change: c.1147C>T on transcript NM_004329.3 (MANE Select); coding-DNA position 1147, C replaced by T.
Protein change: p.Leu383Phe; replaces leucine 383 with phenylalanine.
Molecular consequence: missense variant.
Genome position (GRCh38, 1-based): chr10:86,919,450, C>T. VCF-style: chr10-86919450-C-T. GRCh37 (hg19) VCF-style: chr10-88679207-C-T.
Other names: short protein forms L383F.
Identifiers: ClinVar variation 843465 (VCV000843465.11), dbSNP rs1843628800, ClinGen allele CA377461268.